The following is an entry in ClinVar:

ClinVar aggregate classification (germline): Uncertain significance (1 of 4 stars; one submission).

Conditions:
Clark-Baraitser syndrome. Also called: MENTAL RETARDATION, AUTOSOMAL DOMINANT 49; BARAITSER SYNDROME; Mental retardation, tall stature, obesity, macrocephaly and typical facial features; Intellectual disability, autosomal dominant 49. Identifiers: Orphanet 600731, MedGen C2931130, MONDO:0030914, OMIM 617752.

Submission:

MVZ Medizinische Genetik Mainz
Classification: Uncertain significance for Clark-Baraitser syndrome. Last evaluated: 2022-11-08. Review status: criteria provided, single submitter. Criteria: UK Practice Guidelines For Variant Classification V4 01 2020. Collection method: clinical testing. Allele origin: germline. Inheritance: Autosomal dominant inheritance. Affected: yes. Observed: 1 variant allele.
Comment: ACMG Criteria: PM2_SUP, PP2, PP3 (ACMG Version 4)

NM_001348323.3(TRIP12):c.5231A>G (p.Tyr1744Cys)

Gene: TRIP12 (thyroid hormone receptor interactor 12; minus strand). Cytogenetic location: 2q36.3.
Variant type: single nucleotide variant.
Coding change: c.5231A>G on transcript NM_001348323.3 (MANE Select); coding-DNA position 5231, A replaced by G.
Protein change: p.Tyr1744Cys; replaces tyrosine 1744 with cysteine.
Molecular consequence: missense variant.
Genome position (GRCh38, 1-based): chr2:229,778,566, T>C on the plus strand (A>G on the coding strand, the complement: TRIP12 is on the minus strand). VCF-style: chr2-229778566-T-C. GRCh37 (hg19) VCF-style: chr2-230643282-T-C.
Other names: c.5150A>G, p.Tyr1717Cys (NM_001284214.2, NM_001348315.2); c.5105A>G, p.Tyr1702Cys (NM_001284215.2, NM_001348316.2); c.4196A>G, p.Tyr1399Cys (NM_001284216.2); c.5090A>G, p.Tyr1697Cys (NM_001348317.1, NM_001348318.2); c.5216A>G, p.Tyr1739Cys (NM_001348319.1, NM_001348320.2); c.5219A>G, p.Tyr1740Cys (NM_001348321.1); c.5231A>G, p.Tyr1744Cys (NM_001348322.1, NM_001348324.2, NM_001348325.2 and 2 more transcripts); c.5234A>G, p.Tyr1745Cys (NM_001348328.1, NM_001348329.2, NM_001348330.2); and 4 more; short protein forms Y1399C, Y1669C, Y1670C, Y1697C, Y1702C, Y1710C, Y1717C, Y1718C.
Identifiers: ClinVar variation 3235991 (VCV003235991.1), dbSNP rs2470347391, ClinGen allele CA350887747.
Genomic context (GRCh38, chr2:229,778,566, plus strand): 5'-TGAGCTGGCTTTGCTGTCCTACCAAAGGGAAGCGCAAACAGGCCCTGGAGGTTTTGAATA[T>C]ACTTGGTCCCTTCTTGGCTCCCTGAAAAACAAGCAATGCAGCAAACTTCAGATGATGTTT-3'
Protein context (NP_001335252.1, residues 1734-1754): NPKGSQEGTK[Tyr1744Cys]IQNLQGLFAL